The following is an entry in ClinVar:

NM_007279.3(U2AF2):c.110G>T (p.Arg37Leu)

Gene: U2AF2 (U2 small nuclear RNA auxiliary factor 2; plus strand). Cytogenetic location: 19q13.42.
Variant type: single nucleotide variant.
Coding change: c.110G>T on transcript NM_007279.3 (MANE Select); coding-DNA position 110, G replaced by T.
Protein change: p.Arg37Leu; replaces arginine 37 with leucine.
Molecular consequence: missense variant.
Genome position (GRCh38, 1-based): chr19:55,659,270, G>T. VCF-style: chr19-55659270-G-T. GRCh37 (hg19) VCF-style: chr19-56170636-G-T.
Other names: c.110G>T, p.Arg37Leu (NM_001012478.2); short protein forms R37L.
Identifiers: ClinVar variation 3770097 (VCV003770097.1).

ClinVar aggregate classification (germline): Uncertain significance (1 of 4 stars; one submission).

Submission:

GeneDx
Classification: Uncertain significance. Last evaluated: 2024-09-11. Review status: criteria provided, single submitter. Criteria: GeneDx Variant Classification Process June 2021. Collection method: clinical testing. Allele origin: germline. Affected: yes.
Comment: Not observed at significant frequency in large population cohorts (gnomAD); In silico analysis supports that this missense variant has a deleterious effect on protein structure/function; Has not been previously published as pathogenic or benign to our knowledge